The following is an entry in ClinVar:

NM_014391.3(ANKRD1):c.524C>T (p.Ala175Val)

Gene: ANKRD1 (ankyrin repeat domain 1; minus strand). Cytogenetic location: 10q23.31.
Variant type: single nucleotide variant.
Coding change: c.524C>T on transcript NM_014391.3 (MANE Select); coding-DNA position 524, C replaced by T.
Protein change: p.Ala175Val; replaces alanine 175 with valine.
Molecular consequence: missense variant.
Genome position (GRCh38, 1-based): chr10:90,917,760, G>A on the plus strand (C>T on the coding strand, the complement: ANKRD1 is on the minus strand). VCF-style: chr10-90917760-G-A. GRCh37 (hg19) VCF-style: chr10-92677517-G-A.
Other names: short protein forms A175V.
Identifiers: ClinVar variation 4797933 (VCV004797933.1).

ClinVar aggregate classification (germline): Uncertain significance (1 of 4 stars; one submission).

Conditions:
ANKRD1-related dilated cardiomyopathy. Identifiers: MedGen CN119551.

Submission:

Labcorp Genetics (formerly Invitae), Labcorp
Classification: Uncertain significance for ANKRD1-related dilated cardiomyopathy. Last evaluated: 2025-03-20. Review status: criteria provided, single submitter. Criteria: Invitae Variant Classification Sherloc (09022015). Collection method: clinical testing. Allele origin: germline.
Comment: This sequence change replaces alanine, which is neutral and non-polar, with valine, which is neutral and non-polar, at codon 175 of the ANKRD1 protein (p.Ala175Val). This variant is not present in population databases (gnomAD no frequency). This variant has not been reported in the literature in individuals affected with ANKRD1-related conditions. Invitae Evidence Modeling of protein sequence and biophysical properties (such as structural, functional, and spatial information, amino acid conservation, physicochemical variation, residue mobility, and thermodynamic stability) indicates that this missense variant is not expected to disrupt ANKRD1 protein function with a negative predictive value of 80%. In summary, the available evidence is currently insufficient to determine the role of this variant in disease. Therefore, it has been classified as a Variant of Uncertain Significance.